The following is an entry in ClinVar:

ClinVar aggregate classification (germline): Uncertain significance (1 of 4 stars; one submission).

Conditions:
Singleton-Merten syndrome 1 (SGMRT1). Also called: Widened medullary cavities of bone, aortic calcification, abnormal dentition, and muscular weakness; Syndrome of widened medullary cavities of the metacarpals and phalanges, aortic calcification and abnormal dentition. Identifiers: Orphanet 85191, MedGen C4225427, MONDO:0024535, OMIM 182250.
Aicardi-Goutieres syndrome 7 (AGS7). Identifiers: Orphanet 51, MedGen C3888244, MONDO:0014367, OMIM 615846.

Allele frequency attached by ClinVar (database versions not stated): ExAC 0.00001; gnomAD exomes 0.00003.
gnomAD v4.1: 38 of 1,611,236 alleles (0.0024%); highest among the groups gnomAD compares: Non-Finnish European, 0.0032%; no homozygotes.

Submission:

Labcorp Genetics (formerly Invitae), Labcorp
Classification: Uncertain significance for Aicardi-Goutieres syndrome 7; Singleton-Merten syndrome 1. Last evaluated: 2025-03-06. Review status: criteria provided, single submitter. Criteria: Invitae Variant Classification Sherloc (09022015). Collection method: clinical testing. Allele origin: germline.
Comment: This sequence change replaces valine, which is neutral and non-polar, with alanine, which is neutral and non-polar, at codon 403 of the IFIH1 protein (p.Val403Ala). This variant is not present in population databases (gnomAD no frequency). This variant has not been reported in the literature in individuals affected with IFIH1-related conditions. ClinVar contains an entry for this variant (Variation ID: 2927167). Invitae Evidence Modeling of protein sequence and biophysical properties (such as structural, functional, and spatial information, amino acid conservation, physicochemical variation, residue mobility, and thermodynamic stability) has been performed for this missense variant. However, the output from this modeling did not meet the statistical confidence thresholds required to predict the impact of this variant on IFIH1 protein function. In summary, the available evidence is currently insufficient to determine the role of this variant in disease. Therefore, it has been classified as a Variant of Uncertain Significance.

NM_022168.4(IFIH1):c.1208T>C (p.Val403Ala)

Gene: IFIH1 (interferon induced with helicase C domain 1; minus strand). Cytogenetic location: 2q24.2.
Variant type: single nucleotide variant.
Coding change: c.1208T>C on transcript NM_022168.4 (MANE Select); coding-DNA position 1208, T replaced by C.
Protein change: p.Val403Ala; replaces valine 403 with alanine.
Molecular consequence: missense variant.
Genome position (GRCh38, 1-based): chr2:162,282,464, A>G on the plus strand (T>C on the coding strand, the complement: IFIH1 is on the minus strand). VCF-style: chr2-162282464-A-G. GRCh37 (hg19) VCF-style: chr2-163138974-A-G.
Other names: short protein forms V403A.
Identifiers: ClinVar variation 2927167 (VCV002927167.3), dbSNP rs770336267, ClinGen allele CA1934593.